The following is an entry in ClinVar:

NM_007103.4(NDUFV1):c.1193G>A (p.Arg398His)

Genes: NDUFV1 (NADH:ubiquinone oxidoreductase core subunit V1; plus strand), LOC126861242 (CDK7 strongly-dependent group 2 enhancer GRCh37_chr11:67379204-67380403; plus strand). Cytogenetic location: 11q13.2.
Variant type: single nucleotide variant.
Coding change: c.1193G>A on transcript NM_007103.4 (MANE Select); coding-DNA position 1193, G replaced by A.
Protein change: p.Arg398His; replaces arginine 398 with histidine.
Molecular consequence: missense variant.
Genome position (GRCh38, 1-based): chr11:67,612,150, G>A. VCF-style: chr11-67612150-G-A. GRCh37 (hg19) VCF-style: chr11-67379621-G-A.
Other names: c.1166G>A, p.Arg389His (NM_001166102.2); short protein forms R389H, R398H.
Identifiers: ClinVar variation 4887333 (VCV004887333.1).

ClinVar aggregate classification (germline): Uncertain significance (1 of 4 stars; one submission).

Submission:

Women's Health and Genetics/Laboratory Corporation of America, LabCorp
Classification: Uncertain significance. Last evaluated: 2026-06-11. Review status: criteria provided, single submitter. Criteria: LabCorp Variant Classification Summary - May 2015. Collection method: clinical testing. Allele origin: germline.
Comment: Variant summary: NDUFV1 c.1193G>A (p.Arg398His) results in a non-conservative amino acid change in the encoded protein sequence. Algorithms developed to predict the effect of missense changes on protein structure and function all suggest that this variant is likely to be disruptive. The variant allele was found at a frequency of 8e-06 in 251360 control chromosomes. The available data on variant occurrences in the general population are insufficient to allow any conclusion about variant significance. To our knowledge, no occurrence of c.1193G>A in individuals affected with NDUFV1-related conditions and no experimental evidence demonstrating its impact on protein function have been reported. No submitters have cited clinical-significance assessments for this variant to ClinVar. Based on the evidence outlined above, the variant was classified as uncertain significance.